The following is an entry in ClinVar:

ClinVar aggregate classification (germline): Conflicting classifications of pathogenicity. Review status: criteria provided, conflicting classifications (1 of 4 stars). 5 submissions from 5 submitters: Uncertain significance (3); Benign (1). 1 of the submissions does not count toward it. Last evaluated 2025-12-28.

Conditions:
NR0B2-related disorder. Also called: NR0B2-related condition.
Inherited obesity. Also called: Monogenic Obesity. Identifiers: Orphanet 77828, MedGen C4054476, MONDO:0019182, OMIM 601665.
APC-mutation negative familial colorectal cancer.

Submissions (5):

PreventionGenetics, part of Exact Sciences
Classification: Uncertain significance for NR0B2-related condition. Last evaluated: 2025-12-28. Review status: criteria provided, single submitter. Criteria: ACMG Guidelines, 2015. Collection method: clinical testing. Allele origin: germline.
Comment: The NR0B2 c.157_166del10 variant is predicted to result in a frameshift and premature protein termination (p.His53Alafs*50). This variant was reported in an individual with obesity (Table 1, Nishigori et al. 2001. PubMed ID: 11136233; Table 2, Yang et al. 2010. PubMed ID: 20233523). This variant has also been reported in a colorectal cancer cohort study (Lam et al. 2020. PubMed ID: 33094510). Experimental studies suggest this variant impacts protein function (Fig 2, Nishigori et al. 2001. PubMed ID: 11136233). This variant is reported in 0.65% of alleles in individuals of East Asian descent in gnomAD, which is higher than expected for a primary disease causing variant. Loss of function is not an established mechanism of NR0B2-associated disease. Although we suspect that this variant may be benign, the clinical significance of this variant is uncertain due to the absence of conclusive functional and genetic evidence.

Mendelics
Classification: Benign. Last evaluated: 2022-05-04. Review status: criteria provided, single submitter. Criteria: Mendelics Assertion Criteria 2019. Collection method: clinical testing. Allele origin: germline.

Revvity Omics, Revvity
Classification: Uncertain significance for Inherited obesity. Last evaluated: 2021-06-10. Review status: criteria provided, single submitter. Criteria: ACMG Guidelines, 2015. Collection method: clinical testing. Allele origin: germline.

Labcorp Genetics (formerly Invitae), Labcorp
Classification: Uncertain significance. Last evaluated: 2021-02-25. Review status: criteria provided, single submitter. Criteria: Invitae Variant Classification Sherloc (09022015). Collection method: clinical testing. Allele origin: germline.
Comment: This sequence change creates a premature translational stop signal (p.His53Alafs*50) in the NR0B2 gene. It is expected to result in an absent or disrupted protein product. However, the current clinical and genetic evidence is not sufficient to establish whether loss-of-function variants in NR0B2 cause disease. This variant is present in population databases (rs540387719, ExAC 0.7%). This variant has been observed in individual(s) with mild obesity as well as non-obese controls (PMID: 11136233, 20233523). ClinVar contains an entry for this variant (Variation ID: 636299). In summary, the available evidence is currently insufficient to determine the role of this variant in disease. Therefore, it has been classified as a Variant of Uncertain Significance.

Colorectal Cancer Research Lab, Singapore General Hospital
Classification: Likely pathogenic for APC-mutation negative familial colorectal cancer. Last evaluated: 2019-05-31. Review status: no assertion criteria provided. Collection method: research. Allele origin: germline. Affected: yes. Observed: 1 variant allele. Not counted in ClinVar's aggregate classification.

Literature cited by the submitters: PubMed 11136233 (cited by Labcorp Genetics (formerly Invitae), Labcorp); PubMed 20233523 (cited by Labcorp Genetics (formerly Invitae), Labcorp); PubMed 33094510 (cited by Colorectal Cancer Research Lab, Singapore General Hospital).

NM_021969.3(NR0B2):c.157_166del (p.His53fs)

Genes: NR0B2 (nuclear receptor subfamily 0 group B member 2; minus strand), NUDC (nuclear distribution C, dynein complex regulator; plus strand). Cytogenetic location: 1p36.11.
Variant type: Deletion.
Coding change: c.157_166del on transcript NM_021969.3 (MANE Select); coding-DNA positions 157 to 166, 10 bases deleted (CATCGCACCT; older notation c.157_166delCATCGCACCT).
Protein change: p.His53fs; shifts the reading frame from histidine 53.
Molecular consequence: frameshift variant.
Genome position (GRCh38, 1-based): chr1:26,913,775-26,913,784, AGGTGCGATG deleted on the plus strand (CATCGCACCT on the coding strand, the reverse complement: NR0B2 is on the minus strand); deleting any 10 consecutive bases within chr1:26,913,775-26,913,790 gives the same sequence; the c. name uses the placement nearest the transcript's 3' end. VCF-style (leftmost placement, unchanged base first): chr1-26913774-CAGGTGCGATG-C. GRCh37 (hg19) VCF-style: chr1-27240265-CAGGTGCGATG-C.
Other names: c.157_166delCATCGCACCT (NM_021969.3); c.157_166del10 (NM_021969.2); short protein forms H53fs.
Identifiers: ClinVar variation 636299 (VCV000636299.9), dbSNP rs540387719, ClinGen allele CA709707.
Genomic context (GRCh38, chr1:26,913,774, plus strand): 5'-AAGGATGGCAGGTTCCTGAGGAAGGCCACTGTCTTGGCCAGAACATCCAAGGCCTCCCGG[CAGGTGCGATG>C]AGGTGCACATAGCTGGACGGGCCGGTGCTGCCTACATAGGCAGCGGCTACGGGGTCGGGG-3'